The following is an entry in ClinVar:

NM_001854.4(COL11A1):c.2142+263G>A

Gene: COL11A1 (collagen type XI alpha 1 chain; minus strand). Cytogenetic location: 1p21.1.
Variant type: single nucleotide variant.
Coding change: c.2142+263G>A on transcript NM_001854.4 (MANE Select); 263 bases into the intron after coding-DNA position 2142, G replaced by A.
Molecular consequence: intron variant.
Genome position (GRCh38, 1-based): chr1:103,001,662, C>T on the plus strand (G>A on the coding strand, the complement: COL11A1 is on the minus strand). VCF-style: chr1-103001662-C-T. GRCh37 (hg19) VCF-style: chr1-103467218-C-T.
Other names: c.2025+263G>A (NM_001190709.2); c.2178+263G>A (NM_080629.3); c.1794+263G>A (NM_080630.4).
Identifiers: ClinVar variation 681263 (VCV000681263.2), dbSNP rs2376279, ClinGen allele CA27727545.
Genomic context (GRCh38, chr1:103,001,662, plus strand): 5'-TTTGTAAAATAATGAGAAAGAAAAGGAGACCTAAAATAAAGAGAAAATATTCACTCATAC[C>T]GTTATGTTCCTGAAATTAACATAGCTGAGAATGCCACATTTGGAAGCTGTTTAAATGGTA-3'

ClinVar aggregate classification (germline): Benign. Review status: criteria provided, multiple submitters, no conflicts (2 of 4 stars). 2 submissions from 2 submitters: Benign (2). Last evaluated 2018-06-14.

Allele frequency attached by ClinVar (database versions not stated): 1000 Genomes Project 0.04233; gnomAD 0.04354; 1000 Genomes Project 30x 0.04606; TOPMed 0.04914.

Submissions (2):

GeneDx
Classification: Benign. Last evaluated: 2018-06-14. Review status: criteria provided, single submitter. Criteria: GeneDx Variant Classification (06012015). Collection method: clinical testing. Allele origin: germline. Affected: yes.
Comment: This variant is considered likely benign or benign based on one or more of the following criteria: it is a conservative change, it occurs at a poorly conserved position in the protein, it is predicted to be benign by multiple in silico algorithms, and/or has population frequency not consistent with disease.

Breakthrough Genomics
Classification: Benign. Review status: criteria provided, single submitter. Criteria: ACMG Guidelines, 2015. Collection method: not provided. Allele origin: germline. Inheritance: Autosomal recessive inheritance. Affected: yes.